The following is an entry in ClinVar:

ClinVar aggregate classification (germline): Uncertain significance (1 of 4 stars; one submission).

Conditions:
Hereditary cancer-predisposing syndrome. Also called: Neoplastic Syndromes, Hereditary; Tumor predisposition; Hereditary Cancer Syndrome; Hereditary neoplastic syndrome. Identifiers: Orphanet 140162, MedGen C0027672, MeSH D009386, MONDO:0015356.

Submission:

Ambry Genetics
Classification: Uncertain significance for Hereditary cancer-predisposing syndrome. Last evaluated: 2020-01-20. Review status: criteria provided, single submitter. Criteria: Ambry Variant Classification Scheme 2023. Collection method: clinical testing. Allele origin: germline.
Comment: The p.A1326V variant (also known as c.3977C>T), located in coding exon 20 of the DICER1 gene, results from a C to T substitution at nucleotide position 3977. The alanine at codon 1326 is replaced by valine, an amino acid with similar properties. This amino acid position is highly conserved in available vertebrate species. In addition, this alteration is predicted to be deleterious by in silico analysis. Since supporting evidence is limited at this time, the clinical significance of this alteration remains unclear.

NM_177438.3(DICER1):c.3977C>T (p.Ala1326Val)

Gene: DICER1 (dicer 1, ribonuclease III; minus strand). Cytogenetic location: 14q32.13.
Variant type: single nucleotide variant.
Coding change: c.3977C>T on transcript NM_177438.3 (MANE Select); coding-DNA position 3977, C replaced by T.
Protein change: p.Ala1326Val; replaces alanine 1326 with valine.
Molecular consequence: missense variant. On other transcripts: non-coding transcript variant (6).
Genome position (GRCh38, 1-based): chr14:95,103,419, G>A on the plus strand (C>T on the coding strand, the complement: DICER1 is on the minus strand). VCF-style: chr14-95103419-G-A. GRCh37 (hg19) VCF-style: chr14-95569756-G-A.
Other names: c.3977C>T, p.Ala1326Val (NM_001195573.1, NM_001271282.3, NM_001291628.2 and 13 more transcripts); c.3695C>T, p.Ala1232Val (NM_001395686.1); c.3572C>T, p.Ala1191Val (NM_001395687.1, NM_001395688.1, NM_001395689.1 and 2 more transcripts); c.3410C>T, p.Ala1137Val (NM_001395691.1); c.2294C>T, p.Ala765Val (NM_001395697.1); short protein forms A1137V, A1191V, A1326V, A1232V, A765V.
Identifiers: ClinVar variation 1736655 (VCV001736655.2), dbSNP rs2139955138, ClinGen allele CA390873035.